The following is an entry in ClinVar:

NM_018941.4(CLN8):c.226C>T (p.Gln76Ter)

Gene: CLN8 (CLN8 transmembrane ER and ERGIC protein; plus strand). Cytogenetic location: 8p23.3.
Variant type: single nucleotide variant.
Coding change: c.226C>T on transcript NM_018941.4 (MANE Select); coding-DNA position 226, C replaced by T.
Protein change: p.Gln76Ter; replaces glutamine 76 with a stop codon.
Molecular consequence: nonsense.
Genome position (GRCh38, 1-based): chr8:1,771,280, C>T. VCF-style: chr8-1771280-C-T. GRCh37 (hg19) VCF-style: chr8-1719446-C-T.
Other names: short protein forms Q76*.
Identifiers: ClinVar variation 556399 (VCV000556399.7), dbSNP rs1554449047, ClinGen allele CA369953125.

ClinVar aggregate classification (germline): Pathogenic. Review status: criteria provided, single submitter (1 of 4 stars). 2 submissions from 2 submitters: Pathogenic (1). 1 of the submissions does not count toward it. Last evaluated 2023-08-14.

Conditions:
Neuronal ceroid lipofuscinosis. Also called: Neuronal Ceroid Lipofuscinoses. Identifiers: Orphanet 216, Orphanet 79263, MedGen C0027877, MONDO:0016295. Disease mechanism: loss of function.
Neuronal ceroid lipofuscinosis 8 (CLN8). Also called: CLN8-Related Neuronal Ceroid-Lipofuscinosis. Identifiers: Orphanet 168491, Orphanet 228354, Orphanet 79264, MedGen C1838570, MONDO:0010830, OMIM 600143.

Allele frequency attached by ClinVar (database versions not stated): gnomAD exomes below 0.00001.

Submissions (2):

Labcorp Genetics (formerly Invitae), Labcorp
Classification: Pathogenic for Neuronal ceroid lipofuscinosis. Last evaluated: 2023-08-14. Review status: criteria provided, single submitter. Criteria: Invitae Variant Classification Sherloc (09022015). Collection method: clinical testing. Allele origin: germline.
Comment: This sequence change creates a premature translational stop signal (p.Gln76*) in the CLN8 gene. It is expected to result in an absent or disrupted protein product. Loss-of-function variants in CLN8 are known to be pathogenic (PMID: 15024724). This variant is not present in population databases (gnomAD no frequency). This variant has not been reported in the literature in individuals affected with CLN8-related conditions. ClinVar contains an entry for this variant (Variation ID: 556399). For these reasons, this variant has been classified as Pathogenic.

Counsyl
Classification: Likely pathogenic for Neuronal ceroid lipofuscinosis 8. Last evaluated: 2018-01-30. Review status: no assertion criteria provided. Collection method: clinical testing. Allele origin: unknown. Not counted in ClinVar's aggregate classification.

Literature cited by the submitters: PubMed 15024724 (cited by Labcorp Genetics (formerly Invitae), Labcorp).